The following is an entry in ClinVar:

NM_003124.5(SPR):c.398G>T (p.Cys133Phe)

Gene: SPR (sepiapterin reductase; plus strand). Cytogenetic location: 2p13.2.
Variant type: single nucleotide variant.
Coding change: c.398G>T on transcript NM_003124.5 (MANE Select); coding-DNA position 398, G replaced by T.
Protein change: p.Cys133Phe; replaces cysteine 133 with phenylalanine.
Molecular consequence: missense variant.
Genome position (GRCh38, 1-based): chr2:72,888,407, G>T. VCF-style: chr2-72888407-G-T. GRCh37 (hg19) VCF-style: chr2-73115536-G-T.
Other names: short protein forms C133F.
Identifiers: ClinVar variation 661563 (VCV000661563.1), dbSNP rs1573882342, ClinGen allele CA347231532.

ClinVar aggregate classification (germline): Uncertain significance (1 of 4 stars; one submission).

Conditions:
Dystonic disorder. Also called: Dystonia. Identifiers: MedGen C0013421, MONDO:0003441, HP:0001332.

Submission:

Labcorp Genetics (formerly Invitae), Labcorp
Classification: Uncertain significance for Dystonia. Last evaluated: 2018-11-06. Review status: criteria provided, single submitter. Criteria: Invitae Variant Classification Sherloc (09022015). Collection method: clinical testing. Allele origin: germline.
Comment: This sequence change replaces cysteine with phenylalanine at codon 133 of the SPR protein (p.Cys133Phe). The cysteine residue is highly conserved and there is a large physicochemical difference between cysteine and phenylalanine. This variant is not present in population databases (ExAC no frequency). This variant has not been reported in the literature in individuals with SPR-related disease. Algorithms developed to predict the effect of missense changes on protein structure and function (SIFT, PolyPhen-2, Align-GVGD) all suggest that this variant is likely to be disruptive, but these predictions have not been confirmed by published functional studies and their clinical significance is uncertain. In summary, the available evidence is currently insufficient to determine the role of this variant in disease. Therefore, it has been classified as a Variant of Uncertain Significance.